The following is an entry in ClinVar:

NM_023110.3(FGFR1):c.1877C>T (p.Ala626Val)

Gene: FGFR1 (fibroblast growth factor receptor 1; minus strand). Cytogenetic location: 8p11.23.
Variant type: single nucleotide variant.
Coding change: c.1877C>T on transcript NM_023110.3 (MANE Select); coding-DNA position 1877, C replaced by T.
Protein change: p.Ala626Val; replaces alanine 626 with valine.
Molecular consequence: missense variant.
Genome position (GRCh38, 1-based): chr8:38,414,879, G>A on the plus strand (C>T on the coding strand, the complement: FGFR1 is on the minus strand). VCF-style: chr8-38414879-G-A. GRCh37 (hg19) VCF-style: chr8-38272397-G-A.
Other names: c.1871C>T, p.Ala624Val (NM_001174063.2, NM_001174065.2, NM_001354367.2 and 1 more transcripts); c.1847C>T, p.Ala616Val (NM_001174064.2); c.1610C>T, p.Ala537Val (NM_001174066.2, NM_023105.3); c.1970C>T, p.Ala657Val (NM_001174067.2); c.1598C>T, p.Ala533Val (NM_001354368.2); c.1865C>T, p.Ala622Val (NM_001354369.2, NM_001410922.1); c.1604C>T, p.Ala535Val (NM_001354370.2, NM_023106.3); short protein forms A535V, A616V, A657V, A533V, A537V, A622V, A624V, A626V.
Identifiers: ClinVar variation 4782949 (VCV004782949.1).

ClinVar aggregate classification (germline): Uncertain significance (1 of 4 stars; one submission).

Conditions:
Hypogonadotropic hypogonadism 2 with or without anosmia (HH2). Also called: HYPOGONADOTROPIC HYPOGONADISM 2 WITHOUT ANOSMIA; HYPOGONADOTROPIC HYPOGONADISM 2 WITH OR WITHOUT ANOSMIA, SUSCEPTIBILITY TO; HYPOGONADOTROPIC HYPOGONADISM 2 WITHOUT ANOSMIA, SUSCEPTIBILITY TO; FGFR1-Related GnRH Deficiency (Kallmann Syndrome 2). Identifiers: Orphanet 478, MedGen C1563720, MONDO:0007844, OMIM 147950. Disease mechanism: loss of function.
Pfeiffer syndrome (ACS5). Also called: ACS V. Identifiers: Orphanet 710, MedGen C0220658, MONDO:0007043, OMIM 101600.

Submission:

Labcorp Genetics (formerly Invitae), Labcorp
Classification: Uncertain significance for Pfeiffer syndrome; Hypogonadotropic hypogonadism 2 with or without anosmia. Last evaluated: 2025-11-24. Review status: criteria provided, single submitter. Criteria: Invitae Variant Classification Sherloc (09022015). Collection method: clinical testing. Allele origin: germline.
Comment: This sequence change replaces alanine, which is neutral and non-polar, with valine, which is neutral and non-polar, at codon 626 of the FGFR1 protein (p.Ala626Val). This variant is not present in population databases (gnomAD no frequency). This variant has not been reported in the literature in individuals affected with FGFR1-related conditions. Invitae Evidence Modeling of protein sequence and biophysical properties (such as structural, functional, and spatial information, amino acid conservation, physicochemical variation, residue mobility, and thermodynamic stability) indicates that this missense variant is expected to disrupt FGFR1 protein function with a positive predictive value of 80%. In summary, the available evidence is currently insufficient to determine the role of this variant in disease. Therefore, it has been classified as a Variant of Uncertain Significance.